The following is an entry in ClinVar:

ClinVar aggregate classification (germline): Conflicting classifications of pathogenicity. Review status: criteria provided, conflicting classifications (1 of 4 stars). 4 submissions from 4 submitters: Likely pathogenic (1); Uncertain significance (2). 1 of the submissions does not count toward it. Last evaluated 2023-03-10.

Conditions:
ALG6-congenital disorder of glycosylation 1C (CDG1C). Also called: CDG Ic; Congenital disorder of glycosylation, type Ic; CARBOHYDRATE-DEFICIENT GLYCOPROTEIN SYNDROME, TYPE I, WITH DEFICIENT GLYCOSYLATION OF DOLICHOL-LINKED OLIGOSACCHARIDE; CARBOHYDRATE-DEFICIENT GLYCOPROTEIN SYNDROME, TYPE V; Congenital disorder of glycosylation type 1C. Identifiers: Orphanet 79320, MedGen C2930997, MONDO:0011291, OMIM 603147.

Allele frequency attached by ClinVar (database versions not stated): gnomAD exomes 0.00001; gnomAD 0.00002; TOPMed 0.00002.
gnomAD v4.1: 38 of 1,609,534 alleles (0.0024%); highest among the groups gnomAD compares: Non-Finnish European, 0.003%; no homozygotes.

Submissions (4):

Women's Health and Genetics/Laboratory Corporation of America, LabCorp
Classification: Uncertain significance. Last evaluated: 2023-03-10. Review status: criteria provided, single submitter. Criteria: LabCorp Variant Classification Summary - May 2015. Collection method: clinical testing. Allele origin: germline.
Comment: Variant summary: ALG6 c.53G>A (p.Arg18Gln) results in a conservative amino acid change in the encoded protein sequence. Four of five in-silico tools predict a damaging effect of the variant on protein function. The variant allele was found at a frequency of 1.2e-05 in 248926 control chromosomes. The available data on variant occurrences in the general population are insufficient to allow any conclusion about variant significance. c.53G>A has been reported in the Euroglycan network in association with CDG (Haeuptle_2009, Morava_2016) and in the literature in one compound heterozygous individual affected with Congenital Disorder Of Glycosylation (Vleugels_2011). To our knowledge, no experimental evidence demonstrating an impact on protein function has been reported. Three clinical diagnostic laboratories have submitted clinical-significance assessments for this variant to ClinVar after 2014 and classified the variant as VUS (n=2) and as likely pathogenic (n=1). Based on the evidence outlined above, the variant was classified as uncertain significance.

Labcorp Genetics (formerly Invitae), Labcorp
Classification: Uncertain significance for ALG6-congenital disorder of glycosylation 1C. Last evaluated: 2022-09-07. Review status: criteria provided, single submitter. Criteria: Invitae Variant Classification Sherloc (09022015). Collection method: clinical testing. Allele origin: germline.
Comment: This sequence change replaces arginine, which is basic and polar, with glutamine, which is neutral and polar, at codon 18 of the ALG6 protein (p.Arg18Gln). This variant is present in population databases (no rsID available, gnomAD 0.003%). This missense change has been observed in individual(s) with ALG6-congenital disorder of glycosylation (PMID: 19862844, 27287710). ClinVar contains an entry for this variant (Variation ID: 552732). Algorithms developed to predict the effect of missense changes on protein structure and function are either unavailable or do not agree on the potential impact of this missense change (SIFT: "Tolerated"; PolyPhen-2: "Possibly Damaging"; Align-GVGD: "Class C0"). In summary, the available evidence is currently insufficient to determine the role of this variant in disease. Therefore, it has been classified as a Variant of Uncertain Significance.

GeneDx
Classification: Likely pathogenic. Last evaluated: 2022-02-21. Review status: criteria provided, single submitter. Criteria: GeneDx Variant Classification Process June 2021. Collection method: clinical testing. Allele origin: germline. Affected: yes.
Comment: Reported in association with CDG-Ic in published literature (Haeuptle et al., 2009; Vleugels et al., 2011); In silico analysis supports that this missense variant has a deleterious effect on protein structure/function; Not observed at significant frequency in large population cohorts (gnomAD); This variant is associated with the following publications: (PMID: 15657601, 27287710, 19862844, 21315133)

Counsyl
Classification: Uncertain significance for ALG6-congenital disorder of glycosylation 1C. Last evaluated: 2017-07-06. Review status: no assertion criteria provided. Collection method: clinical testing. Allele origin: unknown. Not counted in ClinVar's aggregate classification.

Literature cited by the submitters: PubMed 19862844 (cited by 3 submitters); PubMed 27287710 (cited by 3 submitters); PubMed 21315133 (cited by Women's Health and Genetics/Laboratory Corporation of America, LabCorp).

NM_013339.4(ALG6):c.53G>A (p.Arg18Gln)

Gene: ALG6 (ALG6 alpha-1,3-glucosyltransferase; plus strand). Cytogenetic location: 1p31.3.
Variant type: single nucleotide variant.
Coding change: c.53G>A on transcript NM_013339.4 (MANE Select); coding-DNA position 53, G replaced by A.
Protein change: p.Arg18Gln; replaces arginine 18 with glutamine.
Molecular consequence: missense variant.
Genome position (GRCh38, 1-based): chr1:63,371,030, G>A. VCF-style: chr1-63371030-G-A. GRCh37 (hg19) VCF-style: chr1-63836701-G-A.
Other names: c.53G>A, p.Arg18Gln (LRG_1260t1); short protein forms R18Q.
Identifiers: ClinVar variation 552732 (VCV000552732.7), dbSNP rs1287725303, ClinGen allele CA340636908.